The following is an entry in ClinVar:

NM_173537.5(GTF2IRD2):c.1692C>T (p.Ala564=)

Genes: GTF2IRD2 (GTF2I repeat domain containing 2; minus strand), LOC106029312 (Williams-Beuren syndrome medial block B recombination region; plus strand). Cytogenetic location: 7q11.23.
Variant type: single nucleotide variant.
Coding change: c.1692C>T on transcript NM_173537.5 (MANE Select); coding-DNA position 1692, C replaced by T.
Protein change: p.Ala564=; no amino-acid change (alanine 564 retained).
Molecular consequence: synonymous variant. On other transcripts: 3 prime UTR variant (4), non-coding transcript variant (8).
Genome position (GRCh38, 1-based): chr7:74,797,820, G>A on the plus strand (C>T on the coding strand, the complement: GTF2IRD2 is on the minus strand). VCF-style: chr7-74797820-G-A. GRCh37 (hg19) VCF-style: chr7-74212159-G-A.
Other names: c.2178C>T, p.Ala726= (NM_001368300.2); c.1707C>T, p.Ala569= (NM_001388079.1); c.1626C>T, p.Ala542= (NM_001388080.1); c.1614C>T, p.Ala538= (NM_001388081.1); c.1557C>T, p.Ala519= (NM_001388082.1); c.1479C>T, p.Ala493= (NM_001388083.1, NM_001388084.1); c.1197C>T, p.Ala399= (NM_001388085.1); c.1116C>T, p.Ala372= (NM_001388086.1); and 3 more.
Identifiers: ClinVar variation 3770528 (VCV003770528.13).

ClinVar aggregate classification (germline): Likely benign (1 of 4 stars; one submission).

gnomAD v4.1: 1,517 of 1,268,848 alleles (0.12%); highest among the groups gnomAD compares: Non-Finnish European, 0.16%; 4 homozygotes.

Submission:

CeGaT Center for Human Genetics Tuebingen
Classification: Likely benign. Last evaluated: 2025-02-01. Review status: criteria provided, single submitter. Criteria: CeGaT Center For Human Genetics Tuebingen Variant Classification Criteria Version 2. Collection method: clinical testing. Allele origin: germline. Affected: yes. Observed: 1 variant allele.
Comment: GTF2IRD2: BP4, BP7